The following is an entry in ClinVar:

NM_001378452.1(ITPR1):c.1808G>A (p.Arg603Gln)

Gene: ITPR1 (inositol 1,4,5-trisphosphate receptor type 1; plus strand). Cytogenetic location: 3p26.1.
Variant type: single nucleotide variant.
Coding change: c.1808G>A on transcript NM_001378452.1 (MANE Select); coding-DNA position 1808, G replaced by A.
Protein change: p.Arg603Gln; replaces arginine 603 with glutamine.
Molecular consequence: missense variant.
Genome position (GRCh38, 1-based): chr3:4,667,471, G>A. VCF-style: chr3-4667471-G-A. GRCh37 (hg19) VCF-style: chr3-4709155-G-A.
Other names: c.1808G>A, p.Arg603Gln (NM_001099952.4); c.1763G>A, p.Arg588Gln (NM_001168272.2, NM_002222.7); c.1763G>A (NM_002222.5); short protein forms R588Q, R603Q.
Identifiers: ClinVar variation 1807479 (VCV001807479.2), dbSNP rs1314164927, ClinGen allele CA351643061.
Genomic context (GRCh38, chr3:4,667,471, plus strand): 5'-AGCAGATTGGCTATGATGTGTTGGCTGAAGACACTATCACTGCCCTGCTCCACAATAATC[G>A]GAAACTCCTGGAAAAACACATTACCGCGGCAGAGATTGACACATTTGTCAGCCTGGTGCG-3'
Protein context (NP_001365381.1, residues 593-613): DTITALLHNN[Arg603Gln]KLLEKHITAA

ClinVar aggregate classification (germline): Uncertain significance. Review status: criteria provided, multiple submitters, no conflicts (2 of 4 stars). 2 submissions from 2 submitters: Uncertain significance (2). Last evaluated 2026-06-26.

Conditions:
Inborn genetic diseases. Identifiers: MedGen C0950123, MeSH D030342.

Allele frequency attached by ClinVar (database versions not stated): TOPMed below 0.00001; gnomAD exomes below 0.00001; gnomAD 0.00001.
gnomAD v4.1: 4 of 1,613,422 alleles (0.00025%); highest among the groups gnomAD compares: Admixed American, 0.0017%; no homozygotes.

Submissions (2):

Ambry Genetics
Classification: Uncertain significance for Inborn genetic diseases. Last evaluated: 2026-06-26. Review status: criteria provided, single submitter. Criteria: Ambry Variant Classification Scheme 2023. Collection method: clinical testing. Allele origin: germline.
Comment: The c.1763G>A (p.R588Q) alteration is located in exon 17 (coding exon 15) of the ITPR1 gene. This alteration results from a G to A substitution at nucleotide position 1763, causing the arginine (R) at amino acid position 588 to be replaced by a glutamine (Q). Based on data from gnomAD, the A allele has an overall frequency of 0.001% (2/248608) total alleles studied. The highest observed frequency was 0.003% (1/34424) of Latino alleles. Based on insufficient or conflicting evidence, the clinical significance of this alteration remains unclear.

Athena Diagnostics
Classification: Uncertain significance. Last evaluated: 2022-08-24. Review status: criteria provided, single submitter. Criteria: Athena Diagnostics Criteria. Collection method: clinical testing. Allele origin: unknown.